The following is an entry in ClinVar:

ClinVar aggregate classification (germline): Uncertain significance (1 of 4 stars; one submission).

Conditions:
DiGeorge syndrome. Also called: THIRD AND FOURTH PHARYNGEAL POUCH SYNDROME; Catch22. Identifiers: Orphanet 567, MedGen C0012236, MONDO:0008564, OMIM 188400.

gnomAD v4.1: 3 of 1,308,780 alleles (0.00023%); highest among the groups gnomAD compares: African/African-American, 0.0016%; no homozygotes.

Submission:

Labcorp Genetics (formerly Invitae), Labcorp
Classification: Uncertain significance for DiGeorge syndrome. Last evaluated: 2024-04-01. Review status: criteria provided, single submitter. Criteria: Invitae Variant Classification Sherloc (09022015). Collection method: clinical testing. Allele origin: germline.
Comment: This sequence change replaces glycine, which is neutral and non-polar, with arginine, which is basic and polar, at codon 375 of the TBX1 protein (p.Gly375Arg). This variant is not present in population databases (gnomAD no frequency). This variant has not been reported in the literature in individuals affected with TBX1-related conditions. An algorithm developed to predict the effect of missense changes on protein structure and function (PolyPhen-2) suggests that this variant is likely to be tolerated. In summary, the available evidence is currently insufficient to determine the role of this variant in disease. Therefore, it has been classified as a Variant of Uncertain Significance.

NM_001379200.1(TBX1):c.1150G>C (p.Gly384Arg)

Gene: TBX1 (T-box transcription factor 1; plus strand). Cytogenetic location: 22q11.21.
Variant type: single nucleotide variant.
Coding change: c.1150G>C on transcript NM_001379200.1 (MANE Select); coding-DNA position 1150, G replaced by C.
Protein change: p.Gly384Arg; replaces glycine 384 with arginine.
Molecular consequence: missense variant. On other transcripts: intron variant (2).
Genome position (GRCh38, 1-based): chr22:19,766,502, G>C. VCF-style: chr22-19766502-G-C. GRCh37 (hg19) VCF-style: chr22-19754025-G-C.
Other names: c.1123G>C, p.Gly375Arg (NM_080647.1); c.1009+500G>C (NM_005992.1, NM_080646.2); short protein forms G375R, G384R.
Identifiers: ClinVar variation 3674711 (VCV003674711.2).